The following is an entry in ClinVar:

ClinVar aggregate classification (germline): Uncertain significance (1 of 4 stars; one submission).

Submission:

GeneDx
Classification: Uncertain significance. Last evaluated: 2024-02-29. Review status: criteria provided, single submitter. Criteria: GeneDx Variant Classification Process June 2021. Collection method: clinical testing. Allele origin: germline. Affected: yes.
Comment: Not observed at significant frequency in large population cohorts (gnomAD); In silico analysis supports that this missense variant does not alter protein structure/function; Has not been previously published as pathogenic or benign to our knowledge

NM_000719.7(CACNA1C):c.5231C>G (p.Ser1744Cys)

Genes: CACNA1C (calcium voltage-gated channel subunit alpha1 C; plus strand), CACNA1C-AS1 (CACNA1C antisense RNA 1; minus strand). Cytogenetic location: 12p13.33.
Variant type: single nucleotide variant.
Coding change: c.5231C>G on transcript NM_000719.7 (MANE Select); coding-DNA position 5231, C replaced by G.
Protein change: p.Ser1744Cys; replaces serine 1744 with cysteine.
Molecular consequence: missense variant.
Genome position (GRCh38, 1-based): chr12:2,679,583, C>G. VCF-style: chr12-2679583-C-G. GRCh37 (hg19) VCF-style: chr12-2788749-C-G.
Other names: c.5375C>G, p.Ser1792Cys (NM_001129827.2, NM_199460.4); c.5354C>G, p.Ser1785Cys (NM_001129829.2); c.5231C>G, p.Ser1744Cys (NM_001129830.3, NM_001129840.2, NM_001129841.2 and 4 more transcripts); c.5315C>G, p.Ser1772Cys (NM_001129831.2); c.5291C>G, p.Ser1764Cys (NM_001129832.2); c.5288C>G, p.Ser1763Cys (NM_001129833.2, NM_001129834.2, NM_001129835.2); c.5282C>G, p.Ser1761Cys (NM_001129836.2); c.5255C>G, p.Ser1752Cys (NM_001129837.2, NM_001129838.2); and 3 more; short protein forms S1733C, S1741C, S1744C, S1750C, S1752C, S1761C, S1763C, S1764C.
Identifiers: ClinVar variation 3369634 (VCV003369634.1).